The following is an entry in ClinVar:

ClinVar aggregate classification (germline): Uncertain significance. Review status: criteria provided, multiple submitters, no conflicts (2 of 4 stars). 2 submissions from 2 submitters: Uncertain significance (2). Last evaluated 2025-12-19.

Conditions:
Emery-Dreifuss muscular dystrophy 5, autosomal dominant (EDMD5). Also called: EMERY-DREIFUSS MUSCULAR DYSTROPHY 5. Identifiers: Orphanet 261, MedGen C2751805, MONDO:0013072, OMIM 612999.

Allele frequency attached by ClinVar (database versions not stated): ExAC 0.00001; gnomAD exomes 0.00001 and 0.00002; TOPMed 0.00001; gnomAD 0.00002.

Submissions (2):

Labcorp Genetics (formerly Invitae), Labcorp
Classification: Uncertain significance for Emery-Dreifuss muscular dystrophy 5, autosomal dominant. Last evaluated: 2025-12-19. Review status: criteria provided, single submitter. Criteria: Invitae Variant Classification Sherloc (09022015). Collection method: clinical testing. Allele origin: germline.
Comment: This sequence change replaces alanine, which is neutral and non-polar, with threonine, which is neutral and polar, at codon 369 of the SYNE2 protein (p.Ala369Thr). This variant is present in population databases (rs746878775, gnomAD 0.004%). This variant has not been reported in the literature in individuals affected with SYNE2-related conditions. ClinVar contains an entry for this variant (Variation ID: 882496). An algorithm developed to predict the effect of missense changes on protein structure and function (PolyPhen-2) suggests that this variant is likely to be disruptive. In summary, the available evidence is currently insufficient to determine the role of this variant in disease. Therefore, it has been classified as a Variant of Uncertain Significance.

Illumina Laboratory Services, Illumina
Classification: Uncertain significance for Emery-Dreifuss muscular dystrophy 5, autosomal dominant. Last evaluated: 2018-01-13. Review status: criteria provided, single submitter. Criteria: ICSL Variant Classification Criteria 13 December 2019. Collection method: clinical testing. Allele origin: germline.

NM_182914.3(SYNE2):c.1105G>A (p.Ala369Thr)

Gene: SYNE2 (spectrin repeat containing nuclear envelope protein 2; plus strand). Cytogenetic location: 14q23.2.
Variant type: single nucleotide variant.
Coding change: c.1105G>A on transcript NM_182914.3 (MANE Select); coding-DNA position 1105, G replaced by A.
Protein change: p.Ala369Thr; replaces alanine 369 with threonine.
Molecular consequence: missense variant.
Genome position (GRCh38, 1-based): chr14:63,967,823, G>A. VCF-style: chr14-63967823-G-A. GRCh37 (hg19) VCF-style: chr14-64434541-G-A.
Other names: c.1105G>A, p.Ala369Thr (NM_015180.6); short protein forms A369T.
Identifiers: ClinVar variation 882496 (VCV000882496.7), dbSNP rs746878775, ClinGen allele CA7219319.